The following is an entry in ClinVar:

ClinVar aggregate classification (germline): Uncertain significance (1 of 4 stars; one submission).

Submission:

GeneDx
Classification: Uncertain significance. Last evaluated: 2024-01-26. Review status: criteria provided, single submitter. Criteria: GeneDx Variant Classification Process June 2021. Collection method: clinical testing. Allele origin: germline. Affected: yes.
Comment: Not observed at significant frequency in large population cohorts (gnomAD); Frameshift variant predicted to result in abnormal protein length as the last 27 amino acids are replaced with 6 different amino acids; Has not been previously published as pathogenic or benign to our knowledge

NM_001110219.3(GJB6):c.704_714delinsA (p.Ala235fs)

Gene: GJB6 (gap junction protein beta 6; minus strand). Cytogenetic location: 13q12.11.
Variant type: Indel.
Coding change: c.704_714delinsA on transcript NM_001110219.3 (MANE Select); coding-DNA positions 704 to 714, CCCTAAAGGAG replaced by A.
Protein change: p.Ala235fs; shifts the reading frame from alanine 235.
Molecular consequence: frameshift variant.
Genome position (GRCh38, 1-based): chr13:20,222,767-20,222,777, CTCCTTTAGGG replaced by T on the plus strand (CCCTAAAGGAG replaced by A on the coding strand, the reverse complement: GJB6 is on the minus strand). VCF-style: chr13-20222767-CTCCTTTAGGG-T. GRCh37 (hg19) VCF-style: chr13-20796906-CTCCTTTAGGG-T.
Other names: c.704_714delinsA, p.Ala235fs (NM_001110220.3, NM_001110221.3, NM_001370090.1 and 3 more transcripts); short protein forms A235fs.
Identifiers: ClinVar variation 3368314 (VCV003368314.1).